The following is an entry in ClinVar:

NM_000094.4(COL7A1):c.7437_7440+4del

Gene: COL7A1 (collagen type VII alpha 1 chain; minus strand). Cytogenetic location: 3p21.31.
Variant type: Deletion.
Coding change: c.7437_7440+4del on transcript NM_000094.4 (MANE Select); coding-DNA position 7437 through 4 bases into the intron after coding-DNA position 7440, 8 bases deleted (CCGGGTAC; older notation c.7437_7440+4delCCGGGTAC).
Molecular consequence: splice donor variant.
Genome position (GRCh38, 1-based): chr3:48,570,271-48,570,278, GTACCCGG deleted on the plus strand (CCGGGTAC on the coding strand, the reverse complement: COL7A1 is on the minus strand). VCF-style (leftmost placement, unchanged base first): chr3-48570270-CGTACCCGG-C. GRCh37 (hg19) VCF-style: chr3-48607703-CGTACCCGG-C.
Identifiers: ClinVar variation 968539 (VCV000968539.6), dbSNP rs750153731, ClinGen allele CA2378507.

ClinVar aggregate classification (germline): Likely pathogenic (1 of 4 stars; one submission).

Allele frequency attached by ClinVar (database versions not stated): gnomAD exomes 0.00001 and 0.00002; ExAC 0.00004.

Submission:

Labcorp Genetics (formerly Invitae), Labcorp
Classification: Likely pathogenic. Last evaluated: 2023-08-22. Review status: criteria provided, single submitter. Criteria: Invitae Variant Classification Sherloc (09022015). Collection method: clinical testing. Allele origin: germline.
Comment: In summary, the currently available evidence indicates that the variant is pathogenic, but additional data are needed to prove that conclusively. Therefore, this variant has been classified as Likely Pathogenic. ClinVar contains an entry for this variant (Variation ID: 968539). This variant has not been reported in the literature in individuals affected with COL7A1-related conditions. This variant is present in population databases (rs750153731, gnomAD 0.005%). This variant results in the deletion of part of exon 97 (c.7437_7440+4del) of the COL7A1 gene. It is expected to disrupt RNA splicing. Variants that disrupt the donor or acceptor splice site typically lead to a loss of protein function (PMID: 16199547), and loss-of-function variants in COL7A1 are known to be pathogenic (PMID: 16971478).

Literature cited by the submitters: PubMed 16199547; PubMed 16971478.